The following is an entry in ClinVar:

ClinVar aggregate classification (germline): Pathogenic/Likely pathogenic. Review status: criteria provided, multiple submitters, no conflicts (2 of 4 stars). 6 submissions from 6 submitters: Pathogenic (4); Likely pathogenic (1). 1 of the submissions does not count toward it. Last evaluated 2025-08-21.

Conditions:
Leukodystrophy, hypomyelinating, 6. Also called: LEUKODYSTROPHY, HYPOMYELINATING, WITH ATROPHY OF THE BASAL GANGLIA AND CEREBELLUM; TUBB4A-Associated Leukodystrophy; Hypomyelination with Atrophy of Basal Ganglia and Cerebellum (H-ABC). Identifiers: Orphanet 139441, MedGen C2676244, MONDO:0012905, OMIM 612438.
Torsion dystonia 4. Also called: DYSTONIA MUSCULORUM DEFORMANS 4; DYT-TUBB4A (Autosomal Dominant Torsion Dystonia). Identifiers: Orphanet 98805, MedGen C1851943, MONDO:0007493, OMIM 128101.

Submissions (6):

3billion
Classification: Pathogenic for Leukodystrophy, hypomyelinating, 6. Last evaluated: 2025-08-21. Review status: criteria provided, single submitter. Criteria: ACMG Guidelines, 2015. Collection method: clinical testing. Allele origin: germline. Affected: yes.
Comment: The variant is not observed in the gnomAD v4.1.0 dataset. Predicted Consequence/Location: Missense variant. Missense changes are a common disease-causing mechanism. In silico tool predictions suggest damaging effect of the variant on gene or gene product [REVEL: 0.81 (>=0.6, sensitivity 0.68 and specificity 0.92); 3Cnet: 0.94 (> 0.75, sensitivity 0.96 and precision 0.92)]. The same nucleotide change resulting in the same amino acid change has been previously reported as pathogenic/likely pathogenic with strong evidence (ClinVar ID: VCV000267774 /PMID: 26643067). Different missense changes at the same codon (p.Thr178Arg, p.Thr178Lys) have been reported as pathogenic/likely pathogenic with strong evidence (ClinVar ID: VCV000139453 /PMID: 24850488, 26633542). Therefore, this variant is classified as Pathogenic according to the recommendation of ACMG/AMP guideline.

GeneDx
Classification: Pathogenic. Last evaluated: 2024-06-07. Review status: criteria provided, single submitter. Criteria: GeneDx Variant Classification Process June 2021. Collection method: clinical testing. Allele origin: germline. Affected: yes.
Comment: Not observed at significant frequency in large population cohorts (gnomAD); In silico analysis supports that this missense variant has a deleterious effect on protein structure/function; This variant is associated with the following publications: (PMID: 27809427, 33027950, 36187477, 34997144, 34120799, 34869359, 36939041, 26643067, 34514881, 35936629, 35661708)

Department of Human Genetics, Hannover Medical School
Classification: Likely pathogenic for Leukodystrophy, hypomyelinating, 6. Last evaluated: 2023-10-16. Review status: criteria provided, single submitter. Criteria: ACMG Guidelines, 2015. Collection method: clinical testing. Allele origin: germline. Inheritance: Autosomal dominant inheritance. Affected: yes.

Baylor Genetics
Classification: Pathogenic for Torsion dystonia 4. Last evaluated: 2018-08-23. Review status: criteria provided, single submitter. Criteria: ACMG Guidelines, 2015. Collection method: clinical testing. Allele origin: de novo. Affected: yes.
Comment: This variant was determined to be pathogenic according to ACMG Guidelines, 2015 [PMID:25741868]. This variant has been previously reported as disease-causing [PMID 26643067]

Laboratory of Molecular Genetics (Pr. Bezieau's lab), CHU de Nantes
Classification: Pathogenic. Last evaluated: 2018-05-02. Review status: criteria provided, single submitter. Criteria: ACMG Guidelines, 2015. Collection method: clinical testing. Allele origin: germline. Affected: yes.

GeneReviews
No classification provided. Condition: Leukodystrophy, hypomyelinating, 6. Review status: no classification provided. Collection method: literature only. Allele origin: germline. Affected: yes. Not counted in ClinVar's aggregate classification.

Literature cited by the submitters: PubMed 26643067 (cited by 3 submitters); PubMed 24850488 (cited by 3billion); NCBI Bookshelf NBK395611 (cited by GeneReviews).

NM_006087.4(TUBB4A):c.533C>T (p.Thr178Met)

Gene: TUBB4A (tubulin beta 4A class IVa; minus strand). Cytogenetic location: 19p13.3.
Variant type: single nucleotide variant.
Coding change: c.533C>T on transcript NM_006087.4 (MANE Select); coding-DNA position 533, C replaced by T.
Protein change: p.Thr178Met; replaces threonine 178 with methionine.
Molecular consequence: missense variant.
Genome position (GRCh38, 1-based): chr19:6,495,966, G>A on the plus strand (C>T on the coding strand, the complement: TUBB4A is on the minus strand). VCF-style: chr19-6495966-G-A. GRCh37 (hg19) VCF-style: chr19-6495977-G-A.
Other names: c.686C>T, p.Thr229Met (NM_001289123.2); c.668C>T, p.Thr223Met (NM_001289127.2); c.533C>T, p.Thr178Met (NM_001289129.2); c.317C>T, p.Thr106Met (NM_001289130.2, NM_001289131.2); short protein forms T229M, T178M, T106M, T223M.
Identifiers: ClinVar variation 267774 (VCV000267774.7), dbSNP rs587777468, ClinGen allele CA10602636.